The following is an entry in ClinVar:

NM_002519.3(NPAT):c.1862T>C (p.Val621Ala)

Gene: NPAT (nuclear protein, coactivator of histone transcription; minus strand). Cytogenetic location: 11q22.3.
Variant type: single nucleotide variant.
Coding change: c.1862T>C on transcript NM_002519.3 (MANE Select); coding-DNA position 1862, T replaced by C.
Protein change: p.Val621Ala; replaces valine 621 with alanine.
Molecular consequence: missense variant.
Genome position (GRCh38, 1-based): chr11:108,173,122, A>G on the plus strand (T>C on the coding strand, the complement: NPAT is on the minus strand). VCF-style: chr11-108173122-A-G. GRCh37 (hg19) VCF-style: chr11-108043849-A-G.
Other names: c.1862T>C, p.Val621Ala (NM_001321307.1); c.1862T>C (NM_002519.2); short protein forms V621A.
Identifiers: ClinVar variation 2151205 (VCV002151205.6), dbSNP rs201987106, ClinGen allele CA6263930.
Genomic context (GRCh38, chr11:108,173,122, plus strand): 5'-GATGCTGAATCATTAGATGGTTGTTTAGTAGAAGACAGCGAATCTCCAAGATGAATTTCT[A>G]CTTGTCCAGATACATTTAAATGTGAACTTTCAACAGACACAGGTAGTATTTCACTTTGAA-3'
Protein context (NP_002510.2, residues 611-631): ESSHLNVSGQ[Val621Ala]EIHLGDSLSS

ClinVar aggregate classification (germline): Conflicting classifications of pathogenicity. Review status: criteria provided, conflicting classifications (1 of 4 stars). 2 submissions from 2 submitters: Uncertain significance (1); Benign (1). Last evaluated 2025-10-23.

Allele frequency attached by ClinVar (database versions not stated): TOPMed 0.00004; gnomAD 0.00031; gnomAD exomes 0.00048; ExAC 0.00117; 1000 Genomes Project 0.00359; 1000 Genomes Project 30x 0.00375.
gnomAD v4.1: 740 of 1,613,992 alleles (0.046%); highest among the groups gnomAD compares: South Asian, 0.78%; 8 homozygotes.

Submissions (2):

Labcorp Genetics (formerly Invitae), Labcorp
Classification: Benign. Last evaluated: 2025-10-23. Review status: criteria provided, single submitter. Criteria: Invitae Variant Classification Sherloc (09022015). Collection method: clinical testing. Allele origin: germline.

Ambry Genetics
Classification: Uncertain significance. Last evaluated: 2023-01-14. Review status: criteria provided, single submitter. Criteria: Ambry Variant Classification Scheme 2023. Collection method: clinical testing. Allele origin: germline.
Comment: The p.V621A variant (also known as c.1862T>C), located in coding exon 13 of the NPAT gene, results from a T to C substitution at nucleotide position 1862. The valine at codon 621 is replaced by alanine, an amino acid with similar properties. This amino acid position is conserved. In addition, this alteration is predicted to be tolerated by in silico analysis. Since supporting evidence is limited at this time, the clinical significance of this alteration remains unclear.